The following is an entry in ClinVar:

ClinVar aggregate classification (germline): Likely pathogenic (1 of 4 stars; one submission).

Allele frequency attached by ClinVar (database versions not stated): TOPMed below 0.00001.

Submission:

Labcorp Genetics (formerly Invitae), Labcorp
Classification: Likely pathogenic. Last evaluated: 2024-02-05. Review status: criteria provided, single submitter. Criteria: Invitae Variant Classification Sherloc (09022015). Collection method: clinical testing. Allele origin: germline.
Comment: This sequence change affects a donor splice site in intron 12 of the TPO gene. It is expected to disrupt RNA splicing. Variants that disrupt the donor or acceptor splice site typically lead to a loss of protein function (PMID: 16199547), and loss-of-function variants in TPO are known to be pathogenic (PMID: 11061528, 23236987, 25564141). This variant is not present in population databases (gnomAD no frequency). This variant has not been reported in the literature in individuals affected with TPO-related conditions. Algorithms developed to predict the effect of sequence changes on RNA splicing suggest that this variant may disrupt the consensus splice site. In summary, the currently available evidence indicates that the variant is pathogenic, but additional data are needed to prove that conclusively. Therefore, this variant has been classified as Likely Pathogenic.

Literature cited by the submitters: PubMed 16199547; PubMed 11061528; PubMed 23236987; PubMed 25564141.

NM_001206744.2(TPO):c.2215+2T>C

Genes: LALTOP (lung cancer associated lncRNA targeting TOP2A; minus strand), TPO (thyroid peroxidase; plus strand). Cytogenetic location: 2p25.3.
Variant type: single nucleotide variant.
Coding change: c.2215+2T>C on transcript NM_001206744.2 (MANE Select); the canonical splice donor site of the intron after coding-DNA position 2215, T replaced by C.
Molecular consequence: splice donor variant.
Genome position (GRCh38, 1-based): chr2:1,496,199, T>C. VCF-style: chr2-1496199-T-C. GRCh37 (hg19) VCF-style: chr2-1499971-T-C.
Other names: c.2215+2T>C (NM_000547.6, NM_175721.3); c.2044+2T>C (NM_175719.4, NM_001206745.2); c.1696+2T>C (NM_175722.3).
Identifiers: ClinVar variation 2896348 (VCV002896348.3), dbSNP rs1672315282, ClinGen allele CA345698300.